The following is an entry in ClinVar:

ClinVar aggregate classification (germline): Likely benign. Review status: criteria provided, single submitter (1 of 4 stars). 2 submissions from 1 submitter: Likely benign (2). Last evaluated 2018-01-13.

Conditions:
Congenital myopathy 4B, autosomal recessive. Also called: Nemaline myopathy 1, autosomal dominant or recessive. Identifiers: Orphanet 171433, Orphanet 171439, Orphanet 171881, MedGen C5829889, MONDO:0012239, OMIM 609284.
Congenital myopathy with fiber type disproportion. Also called: Congenital fiber-type disproportion myopathy; Congenital fiber-type disproportion. Identifiers: Orphanet 2020, MedGen C0546264, MONDO:0009711. Inheritance: all.

Allele frequency attached by ClinVar (database versions not stated): TOPMed 0.00028; gnomAD 0.00064 and 0.00018; 1000 Genomes Project 0.00319; 1000 Genomes Project 30x 0.00297.
gnomAD v4.1: 97 of 151,880 alleles (0.064%); highest among the groups gnomAD compares: South Asian, 1.5%; 1 homozygote.

Submissions (2):

Illumina Laboratory Services, Illumina
Classification: Likely benign for Congenital myopathy 4B, autosomal recessive. Last evaluated: 2018-01-13. Review status: criteria provided, single submitter. Criteria: ICSL Variant Classification Criteria 13 December 2019. Collection method: clinical testing. Allele origin: germline.
Comment: This variant was observed in the ICSL laboratory as part of a predisposition screen in an ostensibly healthy population. It had not been previously curated by ICSL or reported in the Human Gene Mutation Database (HGMD: prior to June 1st, 2018), and was therefore a candidate for classification through an automated scoring system. Utilizing variant allele frequency, disease prevalence and penetrance estimates, and inheritance mode, an automated score was calculated to assess if this variant is too frequent to cause the disease. Based on the score and internal cut-off values, a variant classified as likely benign is not then subjected to further curation. The score for this variant resulted in a classification of likely benign for this disease.

Illumina Laboratory Services, Illumina
Classification: Likely benign for Congenital myopathy 4A, autosomal dominant. Last evaluated: 2018-01-13. Review status: criteria provided, single submitter. Criteria: ICSL Variant Classification Criteria 13 December 2019. Collection method: clinical testing. Allele origin: germline.
Comment: the same text as in the submission from Illumina Laboratory Services, Illumina above.

NM_152263.4(TPM3):c.*5701C>T

Gene: TPM3 (tropomyosin 3; minus strand). Cytogenetic location: 1q21.3.
Variant type: single nucleotide variant.
Coding change: c.*5701C>T on transcript NM_152263.4 (MANE Select); 5701 bases downstream of the stop codon, C replaced by T.
Molecular consequence: 3 prime UTR variant. On other transcripts: intron variant (12).
Genome position (GRCh38, 1-based): chr1:154,162,236, G>A on the plus strand (C>T on the coding strand, the complement: TPM3 is on the minus strand). VCF-style: chr1-154162236-G-A. GRCh37 (hg19) VCF-style: chr1-154134712-G-A.
Other names: c.*5701C>T (NM_001364682.1, NM_001364683.1); c.776-4515C>T (NM_001364679.2, NM_001364680.2); c.776-3188C>T (NM_001364681.2); c.467-4515C>T (NM_001278188.2); c.665-4515C>T (NM_001043351.2, NM_153649.4); c.665-3188C>T (NM_001043353.2, NM_001043352.2); c.744-4515C>T (NM_001349679.2, NM_001278189.2); c.602-4515C>T (NM_001278190.2); and 1 more.
Identifiers: ClinVar variation 292627 (VCV000292627.5), dbSNP rs373631033, ClinGen allele CA10608143.
Genomic context (GRCh38, chr1:154,162,236, plus strand): 5'-CTAACATGTTGAAACCTAGTCTCTACTAAAAACACAAAAATTAGCCGGGCTTGGTTGCAC[G>A]TGCCTGTAATCCCAGCTATTCAGGAGGCTGAGGCAGGAGGATCACTTAAACCCAGGAGGC-3'